The following is an entry in ClinVar:

NM_000088.4(COL1A1):c.3208-2A>C

Gene: COL1A1 (collagen type I alpha 1 chain; minus strand). Cytogenetic location: 17q21.33.
Variant type: single nucleotide variant.
Coding change: c.3208-2A>C on transcript NM_000088.4 (MANE Select); the canonical splice acceptor site of the intron before coding-DNA position 3208, A replaced by C.
Molecular consequence: splice acceptor variant.
Genome position (GRCh38, 1-based): chr17:50,188,151, T>G on the plus strand (A>C on the coding strand, the complement: COL1A1 is on the minus strand). VCF-style: chr17-50188151-T-G. GRCh37 (hg19) VCF-style: chr17-48265512-T-G.
Identifiers: ClinVar variation 2736619 (VCV002736619.3), dbSNP rs72654801, ClinGen allele CA291543022.

ClinVar aggregate classification (germline): Pathogenic (1 of 4 stars; one submission).

Conditions:
Osteogenesis imperfecta type I (OI1). Also called: Classic Non-deforming Osteogenesis Imperfecta with Blue Sclerae; Lobstein disease; OI, TYPE I; OSTEOGENESIS IMPERFECTA TARDA; OSTEOGENESIS IMPERFECTA WITH BLUE SCLERAE; Osteogenesis imperfecta type 1. Identifiers: Orphanet 216796, Orphanet 666, MedGen C0023931, MONDO:0008146, OMIM 166200. Disease mechanism: loss of function.

Submission:

Labcorp Genetics (formerly Invitae), Labcorp
Classification: Pathogenic for Osteogenesis imperfecta type I. Last evaluated: 2023-07-29. Review status: criteria provided, single submitter. Criteria: Invitae Variant Classification Sherloc (09022015). Collection method: clinical testing. Allele origin: germline.
Comment: This sequence change affects an acceptor splice site in intron 43 of the COL1A1 gene. It is expected to disrupt RNA splicing. Variants that disrupt the donor or acceptor splice site typically lead to a loss of protein function (PMID: 16199547), and loss-of-function variants in COL1A1 are known to be pathogenic (PMID: 7942841, 9295084, 9443882). This variant is not present in population databases (gnomAD no frequency). Disruption of this splice site has been observed in individual(s) with osteogenesis imperfecta (PMID: 15241796). Algorithms developed to predict the effect of sequence changes on RNA splicing suggest that this variant may disrupt the consensus splice site. For these reasons, this variant has been classified as Pathogenic.

Literature cited by the submitters: PubMed 16199547; PubMed 7942841; PubMed 9295084; PubMed 9443882; PubMed 15241796.